The following is an entry in ClinVar:

ClinVar aggregate classification (germline): Uncertain significance (1 of 4 stars; one submission).

Conditions:
Hereditary pancreatitis (PCTT). Also called: PRSS1-Related Hereditary Pancreatitis; Hereditary chronic pancreatitis. Identifiers: Orphanet 676, MedGen C0238339, MONDO:0008185, OMIM 167800.

Submission:

Labcorp Genetics (formerly Invitae), Labcorp
Classification: Uncertain significance for Hereditary pancreatitis. Last evaluated: 2024-06-04. Review status: criteria provided, single submitter. Criteria: Invitae Variant Classification Sherloc (09022015). Collection method: clinical testing. Allele origin: germline.
Comment: This sequence change replaces lysine, which is basic and polar, with asparagine, which is neutral and polar, at codon 112 of the PRSS1 protein (p.Lys112Asn). This variant is not present in population databases (gnomAD no frequency). This variant has not been reported in the literature in individuals affected with PRSS1-related conditions. Advanced modeling of protein sequence and biophysical properties (such as structural, functional, and spatial information, amino acid conservation, physicochemical variation, residue mobility, and thermodynamic stability) performed at Invitae indicates that this missense variant is expected to disrupt PRSS1 protein function with a positive predictive value of 80%. In summary, the available evidence is currently insufficient to determine the role of this variant in disease. Therefore, it has been classified as a Variant of Uncertain Significance.

NM_002769.5(PRSS1):c.336G>C (p.Lys112Asn)

Genes: TRB (T cell receptor beta locus; plus strand), PRSS1 (serine protease 1; plus strand). Cytogenetic location: 7q34.
Variant type: single nucleotide variant.
Coding change: c.336G>C on transcript NM_002769.5 (MANE Select); coding-DNA position 336, G replaced by C.
Protein change: p.Lys112Asn; replaces lysine 112 with asparagine.
Molecular consequence: missense variant. On other transcripts: non-coding transcript variant (4).
Genome position (GRCh38, 1-based): chr7:142,751,909, G>C. VCF-style: chr7-142751909-G-C. GRCh37 (hg19) VCF-style: chr7-142459760-G-C.
Other names: short protein forms K112N.
Identifiers: ClinVar variation 3655507 (VCV003655507.2).
Genomic context (GRCh38, chr7:142,751,909, plus strand): 5'-GATCATCCGCCACCCCCAATACGACAGGAAGACTCTGAACAATGACATCATGTTAATCAA[G>C]CTCTCCTCACGTGCAGTAATCAACGCCCGCGTGTCCACCATCTCTCTGCCCACCGCCCCT-3'
Protein context (NP_002760.1, residues 102-122): KTLNNDIMLI[Lys112Asn]LSSRAVINAR